The following is an entry in ClinVar:

ClinVar aggregate classification (germline): Uncertain significance (1 of 4 stars; one submission).

Conditions:
Nemaline myopathy 6 (NEM6). Also called: Nemaline myopathy 6, autosomal dominant. Identifiers: Orphanet 171439, MedGen C1836472, MONDO:0012237, OMIM 609273.

Allele frequency attached by ClinVar (database versions not stated): TOPMed below 0.00001; gnomAD 0.00001; gnomAD exomes 0.00004 and 0.00007; ExAC 0.00011.
gnomAD v4.1: 53 of 1,590,262 alleles (0.0033%); highest among the groups gnomAD compares: South Asian, 0.059%; no homozygotes.

Submission:

Labcorp Genetics (formerly Invitae), Labcorp
Classification: Uncertain significance for Nemaline myopathy 6. Last evaluated: 2022-04-18. Review status: criteria provided, single submitter. Criteria: Invitae Variant Classification Sherloc (09022015). Collection method: clinical testing. Allele origin: germline.
Comment: In summary, the available evidence is currently insufficient to determine the role of this variant in disease. Therefore, it has been classified as a Variant of Uncertain Significance. Algorithms developed to predict the effect of missense changes on protein structure and function are either unavailable or do not agree on the potential impact of this missense change (SIFT: "Tolerated"; PolyPhen-2: "Possibly Damaging"; Align-GVGD: "Class C0"). This variant has not been reported in the literature in individuals affected with KBTBD13-related conditions. This variant is present in population databases (rs748032183, gnomAD 0.06%), and has an allele count higher than expected for a pathogenic variant. This sequence change replaces tyrosine, which is neutral and polar, with phenylalanine, which is neutral and non-polar, at codon 278 of the KBTBD13 protein (p.Tyr278Phe).

NM_001101362.3(KBTBD13):c.833A>T (p.Tyr278Phe)

Gene: KBTBD13 (kelch repeat and BTB domain containing 13; plus strand). Cytogenetic location: 15q22.31.
Variant type: single nucleotide variant.
Coding change: c.833A>T on transcript NM_001101362.3 (MANE Select); coding-DNA position 833, A replaced by T.
Protein change: p.Tyr278Phe; replaces tyrosine 278 with phenylalanine.
Molecular consequence: missense variant.
Genome position (GRCh38, 1-based): chr15:65,077,648, A>T. VCF-style: chr15-65077648-A-T. GRCh37 (hg19) VCF-style: chr15-65369986-A-T.
Other names: short protein forms Y278F.
Identifiers: ClinVar variation 1511246 (VCV001511246.8), dbSNP rs748032183, ClinGen allele CA7613993.